The following is an entry in ClinVar:

ClinVar aggregate classification (germline): Conflicting classifications of pathogenicity. Review status: criteria provided, conflicting classifications (1 of 4 stars). 6 submissions from 6 submitters: Likely pathogenic (3); Uncertain significance (1). 2 of the submissions do not count toward it. Last evaluated 2026-03-10.

Conditions:
CAMK2A-related disorder. Also called: CAMK2A-related condition.
Intellectual disability. Also called: intellectual disabilities; Intellectual developmental disorder; Intellectual functioning disability. Identifiers: MedGen C3714756, MeSH D008607, MONDO:0001071, HP:0001249.
Intellectual developmental disorder, autosomal dominant 53. Also called: MENTAL RETARDATION, AUTOSOMAL DOMINANT 53; Intellectual disability, autosomal dominant 53. Identifiers: MedGen C4540481, MONDO:0030919, OMIM 617798.

Allele frequency attached by ClinVar (database versions not stated): TOPMed below 0.00001.

Submissions (6):

GeneDx
Classification: Likely pathogenic. Last evaluated: 2026-03-10. Review status: criteria provided, single submitter. Criteria: GeneDx Variant Classification Process June 2021. Collection method: clinical testing. Allele origin: germline.
Comment: Published functional studies suggest this variant may result in minimal impairment of CAMK2A stability, autophosphorylation, or neuronal migration; however, additional studies are needed to validate the functional effect of this variant (PMID: 36117912, 29560374, 29100089); In silico analysis supports that this missense variant has a deleterious effect on protein structure/function; This variant is associated with the following publications: (PMID: 29560374, 30577886, 29100089, 36117912)

Blueprint Genetics
Classification: Likely pathogenic for CAMK2A-related disorders. Last evaluated: 2024-10-02. Review status: criteria provided, single submitter. Criteria: ACMG Guidelines, 2015. Collection method: clinical testing. Allele origin: germline. Affected: yes. Observed: 1 variant allele.

Women's Health and Genetics/Laboratory Corporation of America, LabCorp
Classification: Likely pathogenic for Intellectual developmental disorder, autosomal dominant 53. Last evaluated: 2024-09-23. Review status: criteria provided, single submitter. Criteria: LabCorp Variant Classification Summary - May 2015. Collection method: clinical testing. Allele origin: germline.
Comment: Variant summary: CAMK2A c.704C>T (p.Pro235Leu) results in a non-conservative amino acid change located in the Protein kinase domain (IPR000719) of the encoded protein sequence. Four of five in-silico tools predict a damaging effect of the variant on protein function. The variant was absent in 249322 control chromosomes. c.704C>T has been reported in the literature as de novo in individuals affected with Intellectual Disability, Autosomal Dominant 53 (Kury_2017, Akita_2018). At least one publication reports experimental evidence evaluating an impact on protein function. These results showed no damaging effect of this variant (Kury_2017, Akita_2018). The following publications have been ascertained in the context of this evaluation (PMID: 29560374, 30577886, 29100089). ClinVar contains an entry for this variant (Variation ID: 218729). Based on the evidence outlined above, the variant was classified as likely pathogenic.

Genomic Diagnostic Laboratory, Division of Genomic Diagnostics, Children's Hospital of Philadelphia
Classification: Uncertain significance. Last evaluated: 2015-06-08. Review status: criteria provided, single submitter. Criteria: DGD Variant Analysis Guidelines. Collection method: clinical testing. Allele origin: unknown.

OMIM
Classification: Pathogenic for INTELLECTUAL DEVELOPMENTAL DISORDER, AUTOSOMAL DOMINANT 53. Last evaluated: 2022-04-07. Review status: no assertion criteria provided. Collection method: literature only. Allele origin: unknown. Not counted in ClinVar's aggregate classification.

Laboratory of Molecular Genetics (Pr. Bezieau's lab), CHU de Nantes
Classification: Pathogenic for Intellectual disability. Last evaluated: 2017-07-03. Review status: no assertion criteria provided. Collection method: research. Allele origin: de novo. Affected: yes. Observed: 1 variant allele. Not counted in ClinVar's aggregate classification.

Literature cited by the submitters: PubMed 30577886 (cited by Women's Health and Genetics/Laboratory Corporation of America, LabCorp); PubMed 29560374 (cited by Women's Health and Genetics/Laboratory Corporation of America, LabCorp and OMIM); PubMed 29100089 (cited by Women's Health and Genetics/Laboratory Corporation of America, LabCorp and Laboratory of Molecular Genetics (Pr. Bezieau's lab), CHU de Nantes).

NM_015981.4(CAMK2A):c.704C>T (p.Pro235Leu)

Gene: CAMK2A (calcium/calmodulin dependent protein kinase II alpha; minus strand). Cytogenetic location: 5q32.
Variant type: single nucleotide variant.
Coding change: c.704C>T on transcript NM_015981.4 (MANE Select); coding-DNA position 704, C replaced by T.
Protein change: p.Pro235Leu; replaces proline 235 with leucine.
Molecular consequence: missense variant.
Genome position (GRCh38, 1-based): chr5:150,250,800, G>A on the plus strand (C>T on the coding strand, the complement: CAMK2A is on the minus strand). VCF-style: chr5-150250800-G-A. GRCh37 (hg19) VCF-style: chr5-149630363-G-A.
Other names: c.704C>T, p.Pro235Leu (NM_001363989.1, NM_001363990.1, NM_001369025.2 and 1 more transcripts); short protein forms P235L.
Identifiers: ClinVar variation 218729 (VCV000218729.4), dbSNP rs864309606, ClinGen allele CA248921.